The following is an entry in ClinVar:

NM_001127222.2(CACNA1A):c.4324T>G (p.Tyr1442Asp)

Gene: CACNA1A (calcium voltage-gated channel subunit alpha1 A; minus strand). Cytogenetic location: 19p13.13.
Variant type: single nucleotide variant.
Coding change: c.4324T>G on transcript NM_001127222.2 (MANE Select); coding-DNA position 4324, T replaced by G.
Protein change: p.Tyr1442Asp; replaces tyrosine 1442 with aspartic acid.
Molecular consequence: missense variant.
Genome position (GRCh38, 1-based): chr19:13,259,628, A>C on the plus strand (T>G on the coding strand, the complement: CACNA1A is on the minus strand). VCF-style: chr19-13259628-A-C. GRCh37 (hg19) VCF-style: chr19-13370442-A-C.
Other names: c.4336T>G, p.Tyr1446Asp (NM_000068.4, NM_023035.3); c.4327T>G, p.Tyr1443Asp (NM_001127221.2, NM_001174080.2); short protein forms Y1442D, Y1443D, Y1446D.
Identifiers: ClinVar variation 1011068 (VCV001011068.9), dbSNP rs2056674737, ClinGen allele CA404339333.

ClinVar aggregate classification (germline): Pathogenic (1 of 4 stars; one submission).

Conditions:
Developmental and epileptic encephalopathy, 42 (DEE42A). Also called: DEVELOPMENTAL AND EPILEPTIC ENCEPHALOPATHY 42A; EPILEPTIC ENCEPHALOPATHY, EARLY INFANTILE, 42A; Epileptic encephalopathy, early infantile, 42. Identifiers: MedGen C4310716, MONDO:0014917, OMIM 617106.
Episodic ataxia type 2 (EA2). Also called: ACETAZOLAMIDE-RESPONSIVE HEREDITARY PAROXYSMAL CEREBELLAR ATAXIA; EPISODIC ATAXIA, NYSTAGMUS-ASSOCIATED; ATAXIA, EPISODIC, WITH NYSTAGMUS; ATAXIA, FAMILIAL PAROXYSMAL; CEREBELLAR ATAXIA, PAROXYSMAL, ACETAZOLAMIDE-RESPONSIVE; CEREBELLOPATHY, HEREDITARY PAROXYSMAL. Identifiers: Orphanet 97, MedGen C1720416, MONDO:0007163, OMIM 108500.

Submission:

Labcorp Genetics (formerly Invitae), Labcorp
Classification: Pathogenic for Developmental and epileptic encephalopathy, 42; Episodic ataxia type 2. Last evaluated: 2020-11-23. Review status: criteria provided, single submitter. Criteria: Invitae Variant Classification Sherloc (09022015). Collection method: clinical testing. Allele origin: germline.
Comment: For these reasons, this variant has been classified as Pathogenic. Advanced modeling of protein sequence and biophysical properties (such as structural, functional, and spatial information, amino acid conservation, physicochemical variation, residue mobility, and thermodynamic stability) performed at Invitae indicates that this missense variant is expected to disrupt CACNA1A protein function. This variant has been observed in individual(s) with clinical features of CACNA1A-related conditions (Invitae). In at least one individual the variant was observed to be de novo. This variant is not present in population databases (ExAC no frequency). This sequence change replaces tyrosine with aspartic acid at codon 1443 of the CACNA1A protein (p.Tyr1443Asp). The tyrosine residue is highly conserved and there is a large physicochemical difference between tyrosine and aspartic acid.